The following is an entry in ClinVar:

NM_000093.5(COL5A1):c.868C>T (p.Pro290Ser)

Gene: COL5A1 (collagen type V alpha 1 chain; plus strand). Cytogenetic location: 9q34.3.
Variant type: single nucleotide variant.
Coding change: c.868C>T on transcript NM_000093.5 (MANE Select); coding-DNA position 868, C replaced by T.
Protein change: p.Pro290Ser; replaces proline 290 with serine.
Molecular consequence: missense variant.
Genome position (GRCh38, 1-based): chr9:134,728,751, C>T. VCF-style: chr9-134728751-C-T. GRCh37 (hg19) VCF-style: chr9-137620597-C-T.
Other names: c.868C>T, p.Pro290Ser (NM_001278074.1); short protein forms P290S.
Identifiers: ClinVar variation 664503 (VCV000664503.10), dbSNP rs754640324, ClinGen allele CA375447393.

ClinVar aggregate classification (germline): Uncertain significance (1 of 4 stars; one submission).

Conditions:
Ehlers-Danlos syndrome, classic type, 1 (EDSCL1). Also called: EDS I; EHLERS-DANLOS SYNDROME, GRAVIS TYPE; EHLERS-DANLOS SYNDROME, SEVERE CLASSIC TYPE; Ehlers-Danlos Syndrome, Classic Type, COL5A1-Related; Ehlers-Danlos syndrome, type 1. Identifiers: MedGen C0268335, MONDO:0019567, OMIM 130000.

Submission:

Labcorp Genetics (formerly Invitae), Labcorp
Classification: Uncertain significance for Ehlers-Danlos syndrome, classic type, 1. Last evaluated: 2021-05-13. Review status: criteria provided, single submitter. Criteria: Invitae Variant Classification Sherloc (09022015). Collection method: clinical testing. Allele origin: germline.
Comment: In summary, the available evidence is currently insufficient to determine the role of this variant in disease. Therefore, it has been classified as a Variant of Uncertain Significance. Algorithms developed to predict the effect of missense changes on protein structure and function (SIFT, PolyPhen-2, Align-GVGD) all suggest that this variant is likely to be tolerated, but these predictions have not been confirmed by published functional studies and their clinical significance is uncertain. This variant has not been reported in the literature in individuals with COL5A1-related disease. This variant is not present in population databases (ExAC no frequency). This sequence change replaces proline with serine at codon 290 of the COL5A1 protein (p.Pro290Ser). The proline residue is weakly conserved and there is a moderate physicochemical difference between proline and serine.